The following is an entry in ClinVar:

NM_001349338.3(FOXP1):c.1621T>A (p.Phe541Ile)

Gene: FOXP1 (forkhead box P1; minus strand). Cytogenetic location: 3p13.
Variant type: single nucleotide variant.
Coding change: c.1621T>A on transcript NM_001349338.3 (MANE Select); coding-DNA position 1621, T replaced by A.
Protein change: p.Phe541Ile; replaces phenylalanine 541 with isoleucine.
Molecular consequence: missense variant. On other transcripts: non-coding transcript variant (2), intron variant (1).
Genome position (GRCh38, 1-based): chr3:70,972,586, A>T on the plus strand (T>A on the coding strand, the complement: FOXP1 is on the minus strand). VCF-style: chr3-70972586-A-T. GRCh37 (hg19) VCF-style: chr3-71021737-A-T.
Other names: c.1618T>A, p.Phe540Ile (NM_001244808.3, NM_001349341.3); c.1393T>A, p.Phe465Ile (NM_001244812.3); c.1321T>A, p.Phe441Ile (NM_001244813.3, NM_001244815.2, NM_001349342.3); c.1621T>A, p.Phe541Ile (NM_001244814.3, NM_001244816.2, NM_001349340.3 and 1 more transcripts); c.1318T>A, p.Phe440Ile (NM_001349337.2, NM_001349343.3, NM_001349344.3 and 1 more transcripts); c.1531-406T>A (NM_001244810.2); short protein forms F440I, F441I, F465I, F540I, F541I.
Identifiers: ClinVar variation 3893539 (VCV003893539.1).

ClinVar aggregate classification (germline): Uncertain significance (1 of 4 stars; one submission).

Submission:

GeneDx
Classification: Uncertain significance. Last evaluated: 2024-10-22. Review status: criteria provided, single submitter. Criteria: GeneDx Variant Classification Process June 2021. Collection method: clinical testing. Allele origin: germline. Affected: yes.
Comment: Not observed at significant frequency in large population cohorts (gnomAD); In silico analysis supports that this missense variant has a deleterious effect on protein structure/function; Has not been previously published as pathogenic or benign to our knowledge